The following is an entry in ClinVar:

ClinVar aggregate classification (germline): Uncertain significance (1 of 4 stars; one submission).

gnomAD v4.1: 1 of 1,613,276 alleles (0.000062%); highest among the groups gnomAD compares: South Asian, 0.0011%; no homozygotes.

Submission:

Labcorp Genetics (formerly Invitae), Labcorp
Classification: Uncertain significance. Last evaluated: 2021-08-11. Review status: criteria provided, single submitter. Criteria: Invitae Variant Classification Sherloc (09022015). Collection method: clinical testing. Allele origin: germline.
Comment: In summary, the available evidence is currently insufficient to determine the role of this variant in disease. Therefore, it has been classified as a Variant of Uncertain Significance. Algorithms developed to predict the effect of missense changes on protein structure and function output the following: SIFT: "Not Available"; PolyPhen-2: "Benign"; Align-GVGD: "Not Available". The serine amino acid residue is found in multiple mammalian species, which suggests that this missense change does not adversely affect protein function. This variant has not been reported in the literature in individuals affected with CDH3-related conditions. This variant is not present in population databases (ExAC no frequency). This sequence change replaces asparagine with serine at codon 77 of the CDH3 protein (p.Asn77Ser). The asparagine residue is weakly conserved and there is a small physicochemical difference between asparagine and serine.

NM_001793.6(CDH3):c.230A>G (p.Asn77Ser)

Gene: CDH3 (cadherin 3; plus strand). Cytogenetic location: 16q22.1.
Variant type: single nucleotide variant.
Coding change: c.230A>G on transcript NM_001793.6 (MANE Select); coding-DNA position 230, A replaced by G.
Protein change: p.Asn77Ser; replaces asparagine 77 with serine.
Molecular consequence: missense variant.
Genome position (GRCh38, 1-based): chr16:68,676,454, A>G. VCF-style: chr16-68676454-A-G. GRCh37 (hg19) VCF-style: chr16-68710357-A-G.
Other names: c.230A>G, p.Asn77Ser (NM_001317195.3); c.65A>G, p.Asn22Ser (NM_001317196.2); short protein forms N77S, N22S.
Identifiers: ClinVar variation 1495756 (VCV001495756.6), dbSNP rs759681036, ClinGen allele CA396448475.